The following is an entry in ClinVar:

NM_033120.4(NKD2):c.788-222G>T

Gene: NKD2 (NKD inhibitor of Wnt signaling pathway 2; plus strand). Cytogenetic location: 5p15.33.
Variant type: single nucleotide variant.
Coding change: c.788-222G>T on transcript NM_033120.4 (MANE Select); 222 bases into the intron before coding-DNA position 788, G replaced by T.
Molecular consequence: intron variant. On other transcripts: missense variant (1).
Genome position (GRCh38, 1-based): chr5:1,037,583, G>T. VCF-style: chr5-1037583-G-T. GRCh37 (hg19) VCF-style: chr5-1037698-G-T.
Other names: c.851G>T, p.Gly284Val (NM_001271082.2); short protein forms G284V.
Identifiers: ClinVar variation 2655262 (VCV002655262.24), dbSNP rs544558146, ClinGen allele CA3180628.

ClinVar aggregate classification (germline): Likely benign (1 of 4 stars; one submission).

Allele frequency attached by ClinVar (database versions not stated): TOPMed 0.00008; gnomAD 0.00031; gnomAD exomes 0.00052; 1000 Genomes Project 0.00100; 1000 Genomes Project 30x 0.00141; ExAC 0.00443.
gnomAD v4.1: 756 of 1,535,890 alleles (0.049%); highest among the groups gnomAD compares: South Asian, 0.85%; 11 homozygotes.

Submission:

CeGaT Center for Human Genetics Tuebingen
Classification: Likely benign. Last evaluated: 2022-12-01. Review status: criteria provided, single submitter. Criteria: CeGaT Center For Human Genetics Tuebingen Variant Classification Criteria Version 2. Collection method: clinical testing. Allele origin: germline. Affected: yes. Observed: 1 variant allele.
Comment: NKD2: BP4, BS2